The following is an entry in ClinVar:

NM_000038.6(APC):c.1651T>C (p.Leu551=)

Gene: APC (APC regulator of Wnt signaling pathway; plus strand). Cytogenetic location: 5q22.2.
Variant type: single nucleotide variant.
Coding change: c.1651T>C on transcript NM_000038.6 (MANE Select); coding-DNA position 1651, T replaced by C.
Protein change: p.Leu551=; no amino-acid change (leucine 551 retained).
Molecular consequence: synonymous variant.
Genome position (GRCh38, 1-based): chr5:112,828,880, T>C. VCF-style: chr5-112828880-T-C. GRCh37 (hg19) VCF-style: chr5-112164577-T-C.
Other names: c.1651T>C, p.Leu551= (NM_001127510.3, NM_001354895.2, NM_001407450.1); c.1597T>C, p.Leu533= (NM_001127511.3); c.1705T>C, p.Leu569= (NM_001354896.2, NM_001407447.1, NM_001407448.1 and 1 more transcripts); c.1681T>C, p.Leu561= (NM_001354897.2); c.1576T>C, p.Leu526= (NM_001354898.2); c.1567T>C, p.Leu523= (NM_001354899.2); c.1528T>C, p.Leu510= (NM_001354900.2); c.1474T>C, p.Leu492= (NM_001354901.2, NM_001407453.1); and 11 more.
Identifiers: ClinVar variation 1777270 (VCV001777270.7), dbSNP rs2533241903, ClinGen allele CA445757384.
Genomic context (GRCh38, chr5:112,828,880, plus strand): 5'-TATGTATAAATTAATCTAAAATTGATTAATTTGCAGGTTATTGCGAGTGTTTTGAGGAAT[T>C]TGTCTTGGCGAGCAGATGTAAATAGTAAAAAGACGTTGCGAGAAGTTGGAAGTGTGAAAG-3'
Protein context (NP_000029.2, residues 541-561): QQVIASVLRN[Leu551=]SWRADVNSKK

ClinVar aggregate classification (germline): Benign/Likely benign. Review status: criteria provided, multiple submitters, no conflicts (2 of 4 stars). 4 submissions from 4 submitters: Benign (1); Likely benign (3). Last evaluated 2025-05-30.

Conditions:
Hereditary cancer-predisposing syndrome. Also called: Neoplastic Syndromes, Hereditary; Tumor predisposition; Hereditary Cancer Syndrome; Hereditary neoplastic syndrome. Identifiers: Orphanet 140162, MedGen C0027672, MeSH D009386, MONDO:0015356.
Familial adenomatous polyposis 1 (FAP1). Also called: FAMILIAL ADENOMATOUS POLYPOSIS 1, ATTENUATED; POLYPOSIS, ADENOMATOUS INTESTINAL. Identifiers: MedGen C2713442, MONDO:0021056, OMIM 175100. Disease mechanism: loss of function.

Submissions (4):

Color Diagnostics, LLC DBA Color Health
Classification: Likely benign for Hereditary cancer-predisposing syndrome. Last evaluated: 2025-05-30. Review status: criteria provided, single submitter. Criteria: ACMG Guidelines, 2015. Collection method: clinical testing. Allele origin: germline.

Labcorp Genetics (formerly Invitae), Labcorp
Classification: Likely benign for Familial adenomatous polyposis 1. Last evaluated: 2024-05-06. Review status: criteria provided, single submitter. Criteria: Invitae Variant Classification Sherloc (09022015). Collection method: clinical testing. Allele origin: germline.

Myriad Genetics, Inc.
Classification: Benign for Familial adenomatous polyposis 1. Last evaluated: 2024-03-06. Review status: criteria provided, single submitter. Criteria: Myriad Autosomal Dominant, Autosomal Recessive and X-Linked Classification Criteria (2023). Collection method: clinical testing. Allele origin: unknown.
Comment: This variant is considered benign. This variant is a silent/synonymous amino acid change and it is not expected to impact splicing.

Ambry Genetics
Classification: Likely benign for Hereditary cancer-predisposing syndrome. Last evaluated: 2021-04-21. Review status: criteria provided, single submitter. Criteria: Ambry Variant Classification Scheme 2023. Collection method: clinical testing. Allele origin: germline.